The following is an entry in ClinVar:

NM_001198910.2(CCDC169-SOHLH2):c.675C>T (p.Asn225=)

Genes: CCDC169-SOHLH2 (CCDC169-SOHLH2 readthrough; minus strand), SOHLH2 (spermatogenesis and oogenesis specific basic helix-loop-helix 2; minus strand). Cytogenetic location: 13q13.3.
Variant type: single nucleotide variant.
Coding change: c.675C>T on transcript NM_001198910.2; coding-DNA position 675, C replaced by T.
Protein change: p.Asn225=; no amino-acid change (asparagine 225 retained).
Molecular consequence: synonymous variant.
Genome position (GRCh38, 1-based): chr13:36,191,881, G>A on the plus strand (C>T on the coding strand, the complement: CCDC169-SOHLH2 is on the minus strand). VCF-style: chr13-36191881-G-A. GRCh37 (hg19) VCF-style: chr13-36766018-G-A.
Other names: c.444C>T, p.Asn148= (NM_001282147.2, NM_017826.3).
Identifiers: ClinVar variation 3051796 (VCV003051796.2), dbSNP rs11843248, ClinGen allele CA6948943.

ClinVar aggregate classification (germline): Likely benign (0 of 4 stars; one submission).

Conditions:
CCDC169-SOHLH2-related disorder. Also called: CCDC169-SOHLH2-related condition.

Allele frequency attached by ClinVar (database versions not stated): gnomAD exomes 0.00008; ExAC 0.00026; ESP Exome Variant Server 0.00069; TOPMed 0.00069; gnomAD 0.00070; 1000 Genomes Project 0.00100; 1000 Genomes Project 30x 0.00141.
gnomAD v4.1: 240 of 1,613,840 alleles (0.015%); highest among the groups gnomAD compares: African/African-American, 0.23%; 1 homozygote.

Submission:

PreventionGenetics, part of Exact Sciences
Classification: Likely benign for CCDC169-SOHLH2-related condition. Last evaluated: 2019-02-22. Review status: no assertion criteria provided. Collection method: clinical testing. Allele origin: germline.
Comment: This variant is classified as likely benign based on ACMG/AMP sequence variant interpretation guidelines (Richards et al. 2015 PMID: 25741868, with internal and published modifications).